The following is an entry in ClinVar:

ClinVar aggregate classification (germline): Pathogenic (1 of 4 stars; one submission).

Submission:

Labcorp Genetics (formerly Invitae), Labcorp
Classification: Pathogenic. Last evaluated: 2023-04-06. Review status: criteria provided, single submitter. Criteria: Invitae Variant Classification Sherloc (09022015). Collection method: clinical testing. Allele origin: germline.
Comment: This sequence change creates a premature translational stop signal (p.Gln255*) in the USH2A gene. It is expected to result in an absent or disrupted protein product. Loss-of-function variants in USH2A are known to be pathogenic (PMID: 10729113, 10909849, 20507924, 25649381). For these reasons, this variant has been classified as Pathogenic. This variant has not been reported in the literature in individuals affected with USH2A-related conditions. This variant is not present in population databases (gnomAD no frequency).

Literature cited by the submitters: PubMed 10729113; PubMed 10909849; PubMed 20507924; PubMed 25649381.

NM_206933.4(USH2A):c.763C>T (p.Gln255Ter)

Gene: USH2A (usherin; minus strand). Cytogenetic location: 1q41.
Variant type: single nucleotide variant.
Coding change: c.763C>T on transcript NM_206933.4 (MANE Select); coding-DNA position 763, C replaced by T.
Protein change: p.Gln255Ter; replaces glutamine 255 with a stop codon.
Molecular consequence: nonsense.
Genome position (GRCh38, 1-based): chr1:216,364,974, G>A on the plus strand (C>T on the coding strand, the complement: USH2A is on the minus strand). VCF-style: chr1-216364974-G-A. GRCh37 (hg19) VCF-style: chr1-216538316-G-A.
Other names: c.763C>T, p.Gln255Ter (NM_007123.6); short protein forms Q255*.
Identifiers: ClinVar variation 2852207 (VCV002852207.3), dbSNP rs2038566435, ClinGen allele CA344907641.